The following is an entry in ClinVar:

NM_006912.6(RIT1):c.588A>C (p.Lys196Asn)

Gene: RIT1 (Ras like without CAAX 1; minus strand). Cytogenetic location: 1q22.
Variant type: single nucleotide variant.
Coding change: c.588A>C on transcript NM_006912.6 (MANE Select); coding-DNA position 588, A replaced by C.
Protein change: p.Lys196Asn; replaces lysine 196 with asparagine.
Molecular consequence: missense variant.
Genome position (GRCh38, 1-based): chr1:155,900,460, T>G on the plus strand (A>C on the coding strand, the complement: RIT1 is on the minus strand). VCF-style: chr1-155900460-T-G. GRCh37 (hg19) VCF-style: chr1-155870251-T-G.
Other names: c.480A>C, p.Lys160Asn (NM_001256820.2); c.639A>C, p.Lys213Asn (NM_001256821.2); short protein forms K160N, K196N, K213N.
Identifiers: ClinVar variation 1750294 (VCV001750294.6), dbSNP rs1333491071, ClinGen allele CA342800951.

ClinVar aggregate classification (germline): Conflicting classifications of pathogenicity. Review status: criteria provided, conflicting classifications (1 of 4 stars). 2 submissions from 2 submitters: Uncertain significance (1); Likely benign (1). Last evaluated 2024-09-27.

Conditions:
Cardiovascular phenotype. Identifiers: MedGen CN230736.
Noonan syndrome 8 (NS8). Identifiers: Orphanet 648, MedGen C3809233, MONDO:0014143, OMIM 615355.

Allele frequency attached by ClinVar (database versions not stated): gnomAD exomes below 0.00001; TOPMed below 0.00001; gnomAD 0.00001.
gnomAD v4.1: 3 of 1,614,074 alleles (0.00019%); highest among the groups gnomAD compares: African/African-American, 0.0013%; no homozygotes.

Submissions (2):

Ambry Genetics
Classification: Likely benign for Cardiovascular phenotype. Last evaluated: 2024-09-27. Review status: criteria provided, single submitter. Criteria: Ambry Variant Classification Scheme 2023. Collection method: clinical testing. Allele origin: germline.

Labcorp Genetics (formerly Invitae), Labcorp
Classification: Uncertain significance for Noonan syndrome 8. Last evaluated: 2023-07-06. Review status: criteria provided, single submitter. Criteria: Invitae Variant Classification Sherloc (09022015). Collection method: clinical testing. Allele origin: germline.
Comment: This sequence change replaces lysine, which is basic and polar, with asparagine, which is neutral and polar, at codon 196 of the RIT1 protein (p.Lys196Asn). This variant is not present in population databases (gnomAD no frequency). This variant has not been reported in the literature in individuals affected with RIT1-related conditions. ClinVar contains an entry for this variant (Variation ID: 1750294). Advanced modeling of protein sequence and biophysical properties (such as structural, functional, and spatial information, amino acid conservation, physicochemical variation, residue mobility, and thermodynamic stability) performed at Invitae indicates that this missense variant is not expected to disrupt RIT1 protein function. In summary, the available evidence is currently insufficient to determine the role of this variant in disease. Therefore, it has been classified as a Variant of Uncertain Significance.